The following is an entry in ClinVar:

NM_000138.5(FBN1):c.1624_1634del (p.Asn542fs)

Gene: FBN1 (fibrillin 1; minus strand). Cytogenetic location: 15q21.1.
Variant type: Deletion.
Coding change: c.1624_1634del on transcript NM_000138.5 (MANE Select); coding-DNA positions 1624 to 1634, 11 bases deleted (AATAATGGACG).
Protein change: p.Asn542fs; shifts the reading frame from asparagine 542.
Molecular consequence: frameshift variant.
Genome position (GRCh38, 1-based): chr15:48,510,124-48,510,134, CGTCCATTATT deleted on the plus strand (AATAATGGACG on the coding strand, the reverse complement: FBN1 is on the minus strand). VCF-style (leftmost placement, unchanged base first): chr15-48510123-GCGTCCATTATT-G. GRCh37 (hg19) VCF-style: chr15-48802320-GCGTCCATTATT-G.
Other names: c.1624_1634delAATAATGGACG (NM_000138.4); short protein forms N542fs.
Identifiers: ClinVar variation 200148 (VCV000200148.2), dbSNP rs794728296, ClinGen allele CA012323.

ClinVar aggregate classification (germline): Pathogenic (1 of 4 stars; one submission).

Submission:

GeneDx
Classification: Pathogenic. Last evaluated: 2013-11-19. Review status: criteria provided, single submitter. Criteria: GeneDx Variant Classification (06012015). Collection method: clinical testing. Allele origin: germline. Affected: yes.
Comment: Although the c.1624_1634delAATAATGGACG mutation in the FBN1 gene has not been reported to our knowledge, this mutation causes a shift in reading frame starting at codon Asparagine 542, changing it to a Leucine, and creating a premature stop codon at position 13 of the new reading frame, denoted p.Asn542LeufsX13. This mutation is expected to result in either an abnormal, truncated protein product or loss of protein from this allele through nonsense-mediated mRNA decay. Other frameshift mutations in the FBN1 gene have been reported in association with Marfan syndrome and related disorders.In summary, c.1624_1634delAATAATGGACG in the FBN1 gene is interpreted as a disease-causing mutation.